The following is an entry in ClinVar:

NM_024422.6(DSC2):c.539A>T (p.Gln180Leu)

Gene: DSC2 (desmocollin 2; minus strand). Cytogenetic location: 18q12.1.
Variant type: single nucleotide variant.
Coding change: c.539A>T on transcript NM_024422.6 (MANE Select); coding-DNA position 539, A replaced by T.
Protein change: p.Gln180Leu; replaces glutamine 180 with leucine.
Molecular consequence: missense variant.
Genome position (GRCh38, 1-based): chr18:31,089,530, T>A on the plus strand (A>T on the coding strand, the complement: DSC2 is on the minus strand). VCF-style: chr18-31089530-T-A. GRCh37 (hg19) VCF-style: chr18-28669493-T-A.
Other names: c.110A>T, p.Gln37Leu (NM_001406506.1, NM_001406507.1); c.539A>T, p.Gln180Leu (NM_004949.5); short protein forms Q37L, Q180L.
Identifiers: ClinVar variation 5008337 (VCV005008337.1).
Genomic context (GRCh38, chr18:31,089,530, plus strand): 5'-GGACGAGTACAATACAAGTTTCCAGTGTCTCTCTCCACATAAAATAAATTCCGAGGTTCT[T>A]GGTCAACTCCAGGACCTCTTATGGAATAGTATATGGTATAGTTTTGGGCCGTGTCAGATT-3'
Protein context (NP_077740.1, residues 170-190): YYSIRGPGVD[Gln180Leu]EPRNLFYVER

ClinVar aggregate classification (germline): Uncertain significance (1 of 4 stars; one submission).

Submission:

GeneDx
Classification: Uncertain significance. Last evaluated: 2026-03-01. Review status: criteria provided, single submitter. Criteria: GeneDx Variant Classification Process June 2021. Collection method: clinical testing. Allele origin: germline.
Comment: Not observed at significant frequency in large population cohorts (gnomAD); In silico analysis supports that this missense variant has a deleterious effect on protein structure/function; Has not been previously published as pathogenic or benign to our knowledge